The following is an entry in ClinVar:

ClinVar aggregate classification (germline): Uncertain significance (1 of 4 stars; one submission).

Submission:

GeneDx
Classification: Uncertain significance. Last evaluated: 2022-07-15. Review status: criteria provided, single submitter. Criteria: GeneDx Variant Classification Process June 2021. Collection method: clinical testing. Allele origin: germline. Affected: yes.
Comment: Not observed at significant frequency in large population cohorts (gnomAD); In silico analysis supports a deleterious effect on splicing; Has not been previously published as pathogenic or benign to our knowledge

NM_014991.6(WDFY3):c.5424+5G>A

Gene: WDFY3 (WD repeat and FYVE domain containing 3; minus strand). Cytogenetic location: 4q21.23.
Variant type: single nucleotide variant.
Coding change: c.5424+5G>A on transcript NM_014991.6 (MANE Select); 5 bases into the intron after coding-DNA position 5424, G replaced by A.
Molecular consequence: intron variant.
Genome position (GRCh38, 1-based): chr4:84,756,921, C>T on the plus strand (G>A on the coding strand, the complement: WDFY3 is on the minus strand). VCF-style: chr4-84756921-C-T. GRCh37 (hg19) VCF-style: chr4-85678074-C-T.
Identifiers: ClinVar variation 1878873 (VCV001878873.1), dbSNP rs2532548414, ClinGen allele CA2580071848.